The following is an entry in ClinVar:

NM_000453.3(SLC5A5):c.741dup (p.Val248fs)

Gene: SLC5A5 (solute carrier family 5 member 5; plus strand). Cytogenetic location: 19p13.11.
Variant type: Duplication.
Coding change: c.741dup on transcript NM_000453.3 (MANE Select); coding-DNA position 741, one base duplicated (T; older notation c.741dupT).
Protein change: p.Val248fs; shifts the reading frame from valine 248.
Molecular consequence: frameshift variant.
Genome position (GRCh38, 1-based): chr19:17,877,765, T duplicated; the last of 4 consecutive T bases (chr19:17,877,762-17,877,765); duplicating any one gives the same sequence. VCF-style (leftmost placement, unchanged base first): chr19-17877761-C-CT. GRCh37 (hg19) VCF-style: chr19-17988570-C-CT.
Other names: short protein forms V248fs.
Identifiers: ClinVar variation 2876043 (VCV002876043.3), dbSNP rs2514623680, ClinGen allele CA2558586992.
Genomic context (GRCh38, chr19:17,877,761, plus strand): 5'-AACTTGCCCTGTCCCCACCCAGCTTTAACCCTGACCCGAGGAGCCGCTATACATTCTGGA[C>CT]TTTTGTGGTGGGTGGCACGTTGGTGTGGCTCTCCATGTATGGCGTGAACCAGGCGCAGGT-3'

ClinVar aggregate classification (germline): Pathogenic (1 of 4 stars; one submission).

Submission:

Labcorp Genetics (formerly Invitae), Labcorp
Classification: Pathogenic. Last evaluated: 2023-09-24. Review status: criteria provided, single submitter. Criteria: Invitae Variant Classification Sherloc (09022015). Collection method: clinical testing. Allele origin: germline.
Comment: This sequence change creates a premature translational stop signal (p.Val248Cysfs*62) in the SLC5A5 gene. It is expected to result in an absent or disrupted protein product. Loss-of-function variants in SLC5A5 are known to be pathogenic (PMID: 9388506, 9486973). This variant is not present in population databases (gnomAD no frequency). This variant has not been reported in the literature in individuals affected with SLC5A5-related conditions. For these reasons, this variant has been classified as Pathogenic.

Literature cited by the submitters: PubMed 9388506; PubMed 9486973.